The following is an entry in ClinVar:

ClinVar aggregate classification (germline): Conflicting classifications of pathogenicity. Review status: criteria provided, conflicting classifications (1 of 4 stars). 4 submissions from 4 submitters: Uncertain significance (3); Likely benign (1). Last evaluated 2025-12-19.

Conditions:
Cardiovascular phenotype. Identifiers: MedGen CN230736.
Arrhythmogenic right ventricular dysplasia 8 (ARVD8). Also called: ARRHYTHMOGENIC RIGHT VENTRICULAR DYSPLASIA, FAMILIAL, 8; ARRHYTHMOGENIC RIGHT VENTRICULAR CARDIOMYOPATHY 8; Arrhythmogenic Right Ventricular Dysplasia/Cardiomyopathy 8. Identifiers: MedGen C1843896, MONDO:0011831, OMIM 607450.
Arrhythmogenic cardiomyopathy with wooly hair and keratoderma. Also called: Dilated cardiomyopathy with woolly hair and keratoderma; Carvajal syndrome; PALMOPLANTAR KERATODERMA WITH LEFT VENTRICULAR CARDIOMYOPATHY AND WOOLLY HAIR; Arrhythmogenic cardiomyopathy with woolly hair and keratoderma. Identifiers: Orphanet 65282, MedGen C1854063, MONDO:0011581, OMIM 605676.
Cardiomyopathy (CMYO). Also called: Cardiomyopathies. Identifiers: Orphanet 167848, MedGen C0878544, MONDO:0004994, HP:0001638. Inheritance: Various modes of inheritance.

Allele frequency attached by ClinVar (database versions not stated): gnomAD 0.00001; TOPMed 0.00001.
gnomAD v4.1: 9 of 1,613,324 alleles (0.00056%); highest among the groups gnomAD compares: Non-Finnish European, 0.00059%; no homozygotes.

Submissions (4):

Labcorp Genetics (formerly Invitae), Labcorp
Classification: Likely benign for Arrhythmogenic cardiomyopathy with wooly hair and keratoderma; Arrhythmogenic right ventricular dysplasia 8. Last evaluated: 2025-12-19. Review status: criteria provided, single submitter. Criteria: Invitae Variant Classification Sherloc (09022015). Collection method: clinical testing. Allele origin: germline.

Color Diagnostics, LLC DBA Color Health
Classification: Uncertain significance for Cardiomyopathy. Last evaluated: 2025-06-29. Review status: criteria provided, single submitter. Criteria: ACMG Guidelines, 2015. Collection method: clinical testing. Allele origin: germline.
Comment: This missense variant replaces leucine with glutamine at codon 1764 of the DSP protein. Computational prediction suggests that this variant may not impact protein structure and function. To our knowledge, functional studies have not been reported for this variant. This variant has not been reported in individuals affected with DSP-related disorders in the literature. This variant has been identified in 3/250562 chromosomes in the general population by the Genome Aggregation Database (gnomAD). The available evidence is insufficient to determine the role of this variant in disease conclusively. Therefore, this variant is classified as a Variant of Uncertain Significance.

Ambry Genetics
Classification: Uncertain significance for Cardiovascular phenotype. Last evaluated: 2025-06-25. Review status: criteria provided, single submitter. Criteria: Ambry Variant Classification Scheme 2023. Collection method: clinical testing. Allele origin: germline.
Comment: The p.L1764Q variant (also known as c.5291T>A), located in coding exon 23 of the DSP gene, results from a T to A substitution at nucleotide position 5291. The leucine at codon 1764 is replaced by glutamine, an amino acid with dissimilar properties. This amino acid position is not well conserved in available vertebrate species. In addition, this alteration is predicted to be tolerated by in silico analysis. Based on the available evidence, the clinical significance of this variant remains unclear.

All of Us Research Program, National Institutes of Health
Classification: Uncertain significance for Arrhythmogenic cardiomyopathy with wooly hair and keratoderma. Last evaluated: 2023-11-30. Review status: criteria provided, single submitter. Criteria: ACMG Guidelines, 2015. Collection method: clinical testing. Allele origin: germline. Inheritance: Autosomal dominant inheritance. Observed: 1 variant allele, 1 heterozygote.
Comment: This study involves interpretation of variants in research participants for the purpose of population health screening. Participant phenotype was not available at the time of variant classification. Additional details can be found in publication PMID: 35346344, PMCID: PMC8962531

NM_004415.4(DSP):c.5291T>A (p.Leu1764Gln)

Gene: DSP (desmoplakin; plus strand). Cytogenetic location: 6p24.3.
Variant type: single nucleotide variant.
Coding change: c.5291T>A on transcript NM_004415.4 (MANE Select); coding-DNA position 5291, T replaced by A.
Protein change: p.Leu1764Gln; replaces leucine 1764 with glutamine.
Molecular consequence: missense variant. On other transcripts: intron variant (2).
Genome position (GRCh38, 1-based): chr6:7,581,481, T>A. VCF-style: chr6-7581481-T-A. GRCh37 (hg19) VCF-style: chr6-7581714-T-A.
Other names: c.4051-1161T>A (NM_001319034.2); c.3583-1161T>A (NM_001008844.3); short protein forms L1764Q.
Identifiers: ClinVar variation 1044416 (VCV001044416.14), dbSNP rs767885673, ClinGen allele CA044538.